The following is an entry in ClinVar:

NM_001081.4(CUBN):c.5856A>G (p.Ser1952=)

Gene: CUBN (cubilin; minus strand). Cytogenetic location: 10p13.
Variant type: single nucleotide variant.
Coding change: c.5856A>G on transcript NM_001081.4 (MANE Select); coding-DNA position 5856, A replaced by G.
Protein change: p.Ser1952=; no amino-acid change (serine 1952 retained).
Molecular consequence: synonymous variant.
Genome position (GRCh38, 1-based): chr10:16,937,662, T>C on the plus strand (A>G on the coding strand, the complement: CUBN is on the minus strand). VCF-style: chr10-16937662-T-C. GRCh37 (hg19) VCF-style: chr10-16979661-T-C.
Other names: p.Ser1952=.
Identifiers: ClinVar variation 299453 (VCV000299453.24), dbSNP rs1801234, ClinGen allele CA5423891.

ClinVar aggregate classification (germline): Benign. Review status: criteria provided, multiple submitters, no conflicts (2 of 4 stars). 8 submissions from 8 submitters: Benign (8). Last evaluated 2026-02-03.

Conditions:
Imerslund-Grasbeck syndrome type 1 (IGS1). Also called: Megaloblastic anemia 1, Finnish type; MEGALOBLASTIC ANEMIA, 1; Imerslund-Gräsbeck syndrome 1. Identifiers: MedGen C4016819, MONDO:0100156, OMIM 261100.
Imerslund-Grasbeck syndrome. Also called: ENTEROCYTE COBALAMIN MALABSORPTION; ENTEROCYTE INTRINSIC FACTOR RECEPTOR, DEFECT OF; Imerslund-Gräsbeck syndrome; PERNICIOUS ANEMIA, JUVENILE, DUE TO SELECTIVE INTESTINAL MALABSORPTION OF VITAMIN B12, WITH PROTEINURIA; Megaloblastic anemia due to inborn errors of metabolism. Identifiers: Orphanet 35858, MedGen C4551825, MONDO:0009853.

Allele frequency attached by ClinVar (database versions not stated): ExAC 0.46253; gnomAD exomes 0.46407; gnomAD 0.50538 and 0.50897; ESP Exome Variant Server 0.51084; TOPMed 0.52750; 1000 Genomes Project 0.54133; 1000 Genomes Project 30x 0.54809.
gnomAD v4.1: 716,573 of 1,612,408 alleles (44%); highest among the groups gnomAD compares: African/African-American, 70%; 163,719 homozygotes.

Submissions (8):

Labcorp Genetics (formerly Invitae), Labcorp
Classification: Benign for Imerslund-Grasbeck syndrome. Last evaluated: 2026-02-03. Review status: criteria provided, single submitter. Criteria: Invitae Variant Classification Sherloc (09022015). Collection method: clinical testing. Allele origin: germline.

Blueprint Genetics
Classification: Benign. Last evaluated: 2024-11-27. Review status: criteria provided, single submitter. Criteria: ACMG Guidelines, 2015. Collection method: clinical testing. Allele origin: germline.

Mayo Clinic Laboratories, Mayo Clinic
Classification: Benign. Last evaluated: 2022-03-09. Review status: criteria provided, single submitter. Criteria: ACMG Guidelines, 2015. Collection method: clinical testing. Allele origin: germline. Observed: 188 variant alleles.

Genome-Nilou Lab
Classification: Benign for Imerslund-Grasbeck syndrome type 1. Last evaluated: 2021-07-30. Review status: criteria provided, single submitter. Criteria: ACMG Guidelines, 2015. Collection method: clinical testing. Allele origin: germline. Affected: no.

GeneDx
Classification: Benign. Last evaluated: 2018-07-07. Review status: criteria provided, single submitter. Criteria: GeneDx Variant Classification Process June 2021. Collection method: clinical testing. Allele origin: germline. Affected: yes.

Illumina Laboratory Services, Illumina
Classification: Benign for Imerslund-Grasbeck syndrome type 1. Last evaluated: 2018-01-13. Review status: criteria provided, single submitter. Criteria: ICSL Variant Classification Criteria 13 December 2019. Collection method: clinical testing. Allele origin: germline.
Comment: This variant was observed in the ICSL laboratory as part of a predisposition screen in an ostensibly healthy population. It had not been previously curated by ICSL or reported in the Human Gene Mutation Database (HGMD: prior to June 1st, 2018), and was therefore a candidate for classification through an automated scoring system. Utilizing variant allele frequency, disease prevalence and penetrance estimates, and inheritance mode, an automated score was calculated to assess if this variant is too frequent to cause the disease. Based on the score and internal cut-off values, a variant classified as benign is not then subjected to further curation. The score for this variant resulted in a classification of benign for this disease.

Laboratory for Molecular Medicine, Mass General Brigham Personalized Medicine
Classification: Benign. Last evaluated: 2016-03-21. Review status: criteria provided, single submitter. Criteria: LMM Criteria. Collection method: clinical testing. Allele origin: germline. Observed: 1 variant allele.
Comment: p.Ser1952Ser in exon 39 of CUBN: This variant is not expected to have clinical s ignificance because it does not alter an amino acid residue, is not located with in the splice consensus sequence, and has been identified in 75.42% (997/1322) o f African chromosomes by the 1000 Genomes Project (Phase 3; dbSNP rs1801234).

Breakthrough Genomics
Classification: Benign. Review status: criteria provided, single submitter. Criteria: ACMG Guidelines, 2015. Collection method: not provided. Allele origin: germline. Inheritance: Autosomal recessive inheritance. Affected: yes.